The following is an entry in ClinVar:

ClinVar aggregate classification (germline): Uncertain significance. Review status: criteria provided, multiple submitters, no conflicts (2 of 4 stars). 2 submissions from 2 submitters: Uncertain significance (2). Last evaluated 2024-06-06.

Conditions:
Xanthinuria type II. Also called: Xanthine dehydrogenase and aldehyde oxidase combined deficiency of; XDH and AOX dual deficiency. Identifiers: Orphanet 3467, Orphanet 93602, MedGen C1863688, MONDO:0011346, OMIM 603592.

Allele frequency attached by ClinVar (database versions not stated): 1000 Genomes Project 30x 0.00016; TOPMed 0.00014.
gnomAD v4.1: 127 of 1,614,092 alleles (0.0079%); highest among the groups gnomAD compares: Admixed American, 0.025%; 1 homozygote.

Submissions (2):

Labcorp Genetics (formerly Invitae), Labcorp
Classification: Uncertain significance for Xanthinuria type II. Last evaluated: 2024-06-06. Review status: criteria provided, single submitter. Criteria: Invitae Variant Classification Sherloc (09022015). Collection method: clinical testing. Allele origin: germline.
Comment: This sequence change replaces glycine, which is neutral and non-polar, with arginine, which is basic and polar, at codon 506 of the MOCOS protein (p.Gly506Arg). This variant is present in population databases (rs149198061, gnomAD 0.2%). This variant has not been reported in the literature in individuals affected with MOCOS-related conditions. ClinVar contains an entry for this variant (Variation ID: 72393). Algorithms developed to predict the effect of missense changes on protein structure and function output the following: SIFT: "Not Available"; PolyPhen-2: "Benign"; Align-GVGD: "Not Available". The arginine amino acid residue is found in multiple mammalian species, which suggests that this missense change does not adversely affect protein function. In summary, the available evidence is currently insufficient to determine the role of this variant in disease. Therefore, it has been classified as a Variant of Uncertain Significance.

Fulgent Genetics
Classification: Uncertain significance for Xanthinuria type II. Last evaluated: 2022-03-30. Review status: criteria provided, single submitter. Criteria: ACMG Guidelines, 2015. Collection method: clinical testing. Allele origin: unknown.

NM_017947.4(MOCOS):c.1516G>A (p.Gly506Arg)

Gene: MOCOS (molybdenum cofactor sulfurase; plus strand). Cytogenetic location: 18q12.2.
Variant type: single nucleotide variant.
Coding change: c.1516G>A on transcript NM_017947.4 (MANE Select); coding-DNA position 1516, G replaced by A.
Protein change: p.Gly506Arg; replaces glycine 506 with arginine.
Molecular consequence: missense variant.
Genome position (GRCh38, 1-based): chr18:36,215,696, G>A. VCF-style: chr18-36215696-G-A. GRCh37 (hg19) VCF-style: chr18-33795659-G-A.
Other names: short protein forms G506R.
Identifiers: ClinVar variation 72393 (VCV000072393.10), dbSNP rs149198061, ClinGen allele CA8940761.